The following is an entry in ClinVar:

ClinVar aggregate classification (germline): Uncertain significance. Review status: criteria provided, multiple submitters, no conflicts (2 of 4 stars). 3 submissions from 3 submitters: Uncertain significance (3). Last evaluated 2024-12-30.

Conditions:
Autosomal recessive nonsyndromic hearing loss 35. Identifiers: Orphanet 90636, MedGen C1837857, MONDO:0012060, OMIM 608565.

Allele frequency attached by ClinVar (database versions not stated): gnomAD exomes below 0.00001; TOPMed 0.00001.
gnomAD v4.1: 7 of 1,614,160 alleles (0.00043%); highest among the groups gnomAD compares: Admixed American, 0.0033%; no homozygotes.

Submissions (3):

Laboratorio de Genetica e Diagnostico Molecular, Hospital Israelita Albert Einstein
Classification: Uncertain significance for Autosomal recessive nonsyndromic hearing loss 35. Last evaluated: 2024-12-30. Review status: criteria provided, single submitter. Criteria: ACMG Guidelines, 2015. Collection method: clinical testing. Allele origin: germline. Affected: yes.
Comment: ACMG classification criteria: PM2 supporting, PP3 supporting

Labcorp Genetics (formerly Invitae), Labcorp
Classification: Uncertain significance. Last evaluated: 2022-02-27. Review status: criteria provided, single submitter. Criteria: Invitae Variant Classification Sherloc (09022015). Collection method: clinical testing. Allele origin: germline.
Comment: In summary, the available evidence is currently insufficient to determine the role of this variant in disease. Therefore, it has been classified as a Variant of Uncertain Significance. Algorithms developed to predict the effect of missense changes on protein structure and function output the following: SIFT: "Deleterious"; PolyPhen-2: "Possibly Damaging"; Align-GVGD: "Class C0". The glutamine amino acid residue is found in multiple mammalian species, which suggests that this missense change does not adversely affect protein function. This missense change has been observed in individual(s) with deafness (Invitae). This variant is present in population databases (no rsID available, gnomAD 0.006%). This sequence change replaces arginine, which is basic and polar, with glutamine, which is neutral and polar, at codon 249 of the ESRRB protein (p.Arg249Gln).

Laboratory for Molecular Medicine, Mass General Brigham Personalized Medicine
Classification: Uncertain significance. Last evaluated: 2021-06-28. Review status: criteria provided, single submitter. Criteria: ACMG Guidelines, 2015. Collection method: clinical testing. Allele origin: germline.
Comment: The p.Arg249Gln variant in ESRRB has not been previously reported in individuals with hearing loss but has been identified in 0.006% (2/34592) of Latino chromosomes by gnomAD. However, this frequency is low enough to be consistent with a recessive allele frequency. Computational prediction tools analyses do not provide strong support for or against an impact to the protein. In summary, the clinical significance of this variant is uncertain. ACMG/AMP Criteria applied: PM2_Supporting.

NM_001379180.1(ESRRB):c.809G>A (p.Arg270Gln)

Gene: ESRRB (estrogen related receptor beta; plus strand). Cytogenetic location: 14q24.3.
Variant type: single nucleotide variant.
Coding change: c.809G>A on transcript NM_001379180.1 (MANE Select); coding-DNA position 809, G replaced by A.
Protein change: p.Arg270Gln; replaces arginine 270 with glutamine.
Molecular consequence: missense variant.
Genome position (GRCh38, 1-based): chr14:76,482,718, G>A. VCF-style: chr14-76482718-G-A. GRCh37 (hg19) VCF-style: chr14-76949061-G-A.
Other names: c.761G>A, p.Arg254Gln (NM_001411038.1); c.746G>A, p.Arg249Gln (NM_004452.4); short protein forms R249Q, R254Q, R270Q.
Identifiers: ClinVar variation 1943971 (VCV001943971.7), dbSNP rs914160090, ClinGen allele CA263741249.
Genomic context (GRCh38, chr14:76,482,718, plus strand): 5'-CCCCTGGTATGCCTGAGGGGGACATCAAGGCCCTGACCACTCTCTGTGACCTGGCAGACC[G>A]AGAGCTTGTGGTCATCATTGGCTGGGCCAAGCACATCCCAGGTGAGCATGTGGGACCAGG-3'
Protein context (NP_001366109.1, residues 260-280): ALTTLCDLAD[Arg270Gln]ELVVIIGWAK